The following is an entry in ClinVar:

NM_006509.4(RELB):c.1291G>A (p.Glu431Lys)

Gene: RELB (RELB proto-oncogene, NF-kB subunit; plus strand). Cytogenetic location: 19q13.32.
Variant type: single nucleotide variant.
Coding change: c.1291G>A on transcript NM_006509.4 (MANE Select); coding-DNA position 1291, G replaced by A.
Protein change: p.Glu431Lys; replaces glutamic acid 431 with lysine.
Molecular consequence: missense variant.
Genome position (GRCh38, 1-based): chr19:45,034,465, G>A. VCF-style: chr19-45034465-G-A. GRCh37 (hg19) VCF-style: chr19-45537723-G-A.
Other names: c.1291G>A (NM_006509.3); c.1282G>A, p.Glu428Lys (NM_001411087.1); short protein forms E431K, E428K.
Identifiers: ClinVar variation 2181679 (VCV002181679.5), dbSNP rs755655997, ClinGen allele CA9507821.

ClinVar aggregate classification (germline): Uncertain significance. Review status: criteria provided, multiple submitters, no conflicts (2 of 4 stars). 2 submissions from 2 submitters: Uncertain significance (2). Last evaluated 2024-11-24.

Allele frequency attached by ClinVar (database versions not stated): ExAC 0.00001; gnomAD 0.00001; TOPMed 0.00001.
gnomAD v4.1: 57 of 1,611,706 alleles (0.0035%); highest among the groups gnomAD compares: Non-Finnish European, 0.0047%; no homozygotes.

Submissions (2):

Ambry Genetics
Classification: Uncertain significance. Last evaluated: 2024-11-24. Review status: criteria provided, single submitter. Criteria: Ambry Variant Classification Scheme 2023. Collection method: clinical testing. Allele origin: germline.

Labcorp Genetics (formerly Invitae), Labcorp
Classification: Uncertain significance. Last evaluated: 2024-05-06. Review status: criteria provided, single submitter. Criteria: Invitae Variant Classification Sherloc (09022015). Collection method: clinical testing. Allele origin: germline.
Comment: This sequence change replaces glutamic acid, which is acidic and polar, with lysine, which is basic and polar, at codon 431 of the RELB protein (p.Glu431Lys). This variant is present in population databases (rs755655997, gnomAD 0.003%). This variant has not been reported in the literature in individuals affected with RELB-related conditions. ClinVar contains an entry for this variant (Variation ID: 2181679). An algorithm developed to predict the effect of missense changes on protein structure and function (PolyPhen-2) suggests that this variant is likely to be disruptive. In summary, the available evidence is currently insufficient to determine the role of this variant in disease. Therefore, it has been classified as a Variant of Uncertain Significance.